The following is an entry in ClinVar:

NM_001161748.2(LIM2):c.175+37G>A

Genes: LIM2 (lens intrinsic membrane protein 2; minus strand), LIM2-AS1 (LIM2 and SIGLEC10 antisense RNA 1; plus strand). Cytogenetic location: 19q13.41.
Variant type: single nucleotide variant.
Coding change: c.175+37G>A on transcript NM_001161748.2 (MANE Select); 37 bases into the intron after coding-DNA position 175, G replaced by A.
Molecular consequence: intron variant. On other transcripts: missense variant (1).
Genome position (GRCh38, 1-based): chr19:51,387,232, C>T on the plus strand (G>A on the coding strand, the complement: LIM2 is on the minus strand). VCF-style: chr19-51387232-C-T. GRCh37 (hg19) VCF-style: chr19-51890486-C-T.
Other names: c.212G>A, p.Gly71Glu (NM_030657.4); short protein forms G71E.
Identifiers: ClinVar variation 4751561 (VCV004751561.1).

ClinVar aggregate classification (germline): Uncertain significance (1 of 4 stars; one submission).

Conditions:
Cataract 19 multiple types. Also called: CATARACT 19, CORTICAL PULVERULENT; CATARACT 19, CONGENITAL TOTAL. Identifiers: Orphanet 91492, MedGen C3809004, MONDO:0014111, OMIM 615277.

gnomAD v4.1: 11 of 1,614,232 alleles (0.00068%); highest among the groups gnomAD compares: Admixed American, 0.018%; no homozygotes.

Submission:

Labcorp Genetics (formerly Invitae), Labcorp
Classification: Uncertain significance for Cataract 19 multiple types. Last evaluated: 2025-12-22. Review status: criteria provided, single submitter. Criteria: Invitae Variant Classification Sherloc (09022015). Collection method: clinical testing. Allele origin: germline.
Comment: This sequence change replaces glycine, which is neutral and non-polar, with glutamic acid, which is acidic and polar, at codon 71 of the LIM2 protein (p.Gly71Glu). This variant is present in population databases (rs758664576, gnomAD 0.03%). This variant has not been reported in the literature in individuals affected with LIM2-related conditions. An algorithm developed to predict the effect of missense changes on protein structure and function (PolyPhen-2) suggests that this variant is likely to be tolerated. In summary, the available evidence is currently insufficient to determine the role of this variant in disease. Therefore, it has been classified as a Variant of Uncertain Significance.